The following is an entry in ClinVar:

ClinVar aggregate classification (germline): Uncertain significance (1 of 4 stars; one submission).

Conditions:
Hereditary cancer-predisposing syndrome. Also called: Hereditary neoplastic syndrome; Neoplastic Syndromes, Hereditary; Tumor predisposition; Hereditary Cancer Syndrome. Identifiers: Orphanet 140162, MedGen C0027672, MeSH D009386, MONDO:0015356.

Submission:

Ambry Genetics
Classification: Uncertain significance for Hereditary cancer-predisposing syndrome. Last evaluated: 2025-08-27. Review status: criteria provided, single submitter. Criteria: Ambry Variant Classification Scheme 2023. Collection method: clinical testing. Allele origin: germline.
Comment: The p.Q33L variant (also known as c.98A>T), located in coding exon 2 of the MUTYH gene, results from an A to T substitution at nucleotide position 98. The glutamine at codon 33 is replaced by leucine, an amino acid with dissimilar properties. This amino acid position is conserved. In addition, this alteration is predicted to be tolerated by in silico analysis. Based on the available evidence, the clinical significance of this variant remains unclear.

NM_001048174.2(MUTYH):c.56A>T (p.Gln19Leu)

Gene: MUTYH (mutY DNA glycosylase; minus strand). Cytogenetic location: 1p34.1.
Variant type: single nucleotide variant.
Coding change: c.56A>T on transcript NM_001048174.2 (MANE Select); coding-DNA position 56, A replaced by T.
Protein change: p.Gln19Leu; replaces glutamine 19 with leucine.
Molecular consequence: missense variant. On other transcripts: 5 prime UTR variant (7), non-coding transcript variant (7).
Genome position (GRCh38, 1-based): chr1:45,334,450, T>A on the plus strand (A>T on the coding strand, the complement: MUTYH is on the minus strand). VCF-style: chr1-45334450-T-A. GRCh37 (hg19) VCF-style: chr1-45800122-T-A.
Other names: c.56A>T, p.Gln19Leu (NM_001048171.2, NM_001048172.2, NM_001048173.2 and 15 more transcripts); c.98A>T, p.Gln33Leu (NM_001293190.2, NM_001128425.2, NM_001407069.1 and 2 more transcripts); c.-157A>T (NM_001293192.2, NM_001293196.2, NM_001407091.1); c.-216A>T (NM_001350650.2); c.-152A>T (NM_001350651.2, NM_001407082.1); c.-101A>T (NM_001407075.1); c.74A>T, p.Gln25Leu (NM_001407087.1); short protein forms Q33L, Q19L, Q25L.
Identifiers: ClinVar variation 4113991 (VCV004113991.1).
Genomic context (GRCh38, chr1:45,334,450, plus strand): 5'-CCATCACAGGCAGAAGGCTTGGCCTGACTGTTGTTCTTAGCATGCTTCTGCCTCCCTTCC[T>A]GGCTGGCTGCCTGCTTCCTGTGACCACTTCCCACGGCTGCTCGTGGCTTCCTCATGATGG-3'
Protein context (NP_001041639.1, residues 9-29): GSGHRKQAAS[Gln19Leu]EGRQKHAKNN